The following is an entry in ClinVar:

NM_000037.4(ANK1):c.2735+10G>A

Gene: ANK1 (ankyrin 1; minus strand). Cytogenetic location: 8p11.21.
Variant type: single nucleotide variant.
Coding change: c.2735+10G>A on transcript NM_000037.4 (MANE Select); 10 bases into the intron after coding-DNA position 2735, G replaced by A.
Molecular consequence: intron variant.
Genome position (GRCh38, 1-based): chr8:41,696,666, C>T on the plus strand (G>A on the coding strand, the complement: ANK1 is on the minus strand). VCF-style: chr8-41696666-C-T. GRCh37 (hg19) VCF-style: chr8-41554184-C-T.
Other names: p.?; c.2735+10G>A (NM_020476.2, NM_020477.3, NM_020475.3 and 1 more transcripts); c.2858+10G>A (NM_001142446.2).
Identifiers: ClinVar variation 363013 (VCV000363013.24), dbSNP rs75296105, ClinGen allele CA4728118.

ClinVar aggregate classification (germline): Conflicting classifications of pathogenicity. Review status: criteria provided, conflicting classifications (1 of 4 stars). 7 submissions from 6 submitters: Uncertain significance (1); Benign (3); Likely benign (3). Last evaluated 2026-01-17.

Conditions:
Hereditary spherocytosis type 1. Also called: Spherocytosis type 1; ANK1-Related Spherocytosis. Identifiers: Orphanet 822, MedGen C2674218, MONDO:0008447, OMIM 182900.
ANK1-related disorder. Also called: ANK1-related condition.
Spherocytosis. Identifiers: MedGen C0553720, HP:0004444.

Allele frequency attached by ClinVar (database versions not stated): gnomAD exomes 0.00091; ExAC 0.00104; gnomAD 0.00345 and 0.00374; ESP Exome Variant Server 0.00354; 1000 Genomes Project 0.00359; TOPMed 0.00393; 1000 Genomes Project 30x 0.00484.

Submissions (7):

Labcorp Genetics (formerly Invitae), Labcorp
Classification: Benign. Last evaluated: 2026-01-17. Review status: criteria provided, single submitter. Criteria: Invitae Variant Classification Sherloc (09022015). Collection method: clinical testing. Allele origin: germline.

ARUP Laboratories, Molecular Genetics and Genomics, ARUP Laboratories
Classification: Benign for Hereditary spherocytosis type 1. Last evaluated: 2025-05-07. Review status: criteria provided, single submitter. Criteria: ARUP Molecular Germline Variant Investigation Process 2024. Collection method: clinical testing. Allele origin: germline.

PreventionGenetics, part of Exact Sciences
Classification: Benign for ANK1-related condition. Last evaluated: 2025-02-07. Review status: criteria provided, single submitter. Criteria: ACMG Guidelines, 2015. Collection method: clinical testing. Allele origin: germline.
Comment: This variant is classified as benign based on ACMG/AMP sequence variant interpretation guidelines (Richards et al. 2015 PMID: 25741868, with internal and published modifications).

Mayo Clinic Laboratories, Mayo Clinic
Classification: Likely benign. Last evaluated: 2025-01-31. Review status: criteria provided, single submitter. Criteria: ACMG Guidelines, 2015. Collection method: clinical testing. Allele origin: germline. Observed: 12 variant alleles.

Blueprint Genetics
Classification: Likely benign. Last evaluated: 2024-10-07. Review status: criteria provided, single submitter. Criteria: ACMG Guidelines, 2015. Collection method: clinical testing. Allele origin: germline.

Illumina Laboratory Services, Illumina
Classification: Likely benign for Hereditary spherocytosis type 1. Last evaluated: 2018-01-12. Review status: criteria provided, single submitter. Criteria: ICSL Variant Classification Criteria 13 December 2019. Collection method: clinical testing. Allele origin: germline.
Comment: This variant was observed in the ICSL laboratory as part of a predisposition screen in an ostensibly healthy population. It had not been previously curated by ICSL or reported in the Human Gene Mutation Database (HGMD: prior to June 1st, 2018), and was therefore a candidate for classification through an automated scoring system. Utilizing variant allele frequency, disease prevalence and penetrance estimates, and inheritance mode, an automated score was calculated to assess if this variant is too frequent to cause the disease. Based on the score and internal cut-off values, a variant classified as likely benign is not then subjected to further curation. The score for this variant resulted in a classification of likely benign for this disease.

Illumina Laboratory Services, Illumina
Classification: Uncertain significance for Spherocytosis. Last evaluated: 2018-01-12. Review status: criteria provided, single submitter. Criteria: ICSL Variant Classification Criteria 13 December 2019. Collection method: clinical testing. Allele origin: germline.